The following is an entry in ClinVar:

NM_138694.4(PKHD1):c.666C>T (p.Ile222=)

Gene: PKHD1 (PKHD1 ciliary IPT domain containing fibrocystin/polyductin; minus strand). Cytogenetic location: 6p12.2.
Variant type: single nucleotide variant.
Coding change: c.666C>T on transcript NM_138694.4 (MANE Select); coding-DNA position 666, C replaced by T.
Protein change: p.Ile222=; no amino-acid change (isoleucine 222 retained).
Molecular consequence: synonymous variant.
Genome position (GRCh38, 1-based): chr6:52,071,007, G>A on the plus strand (C>T on the coding strand, the complement: PKHD1 is on the minus strand). VCF-style: chr6-52071007-G-A. GRCh37 (hg19) VCF-style: chr6-51935805-G-A.
Other names: c.666C>T, p.Ile222= (NM_170724.3).
Identifiers: ClinVar variation 3032385 (VCV003032385.3), dbSNP rs538867151, ClinGen allele CA3853830.

ClinVar aggregate classification (germline): Uncertain significance. Review status: criteria provided, single submitter (1 of 4 stars). 2 submissions from 2 submitters: Uncertain significance (1). 1 of the submissions does not count toward it. Last evaluated 2024-07-11.

Conditions:
PKHD1-related disorder. Also called: PKHD1-related condition.

Allele frequency attached by ClinVar (database versions not stated): gnomAD exomes 0.00004; ExAC 0.00009; 1000 Genomes Project 30x 0.00016; 1000 Genomes Project 0.00020.
gnomAD v4.1: 58 of 1,578,410 alleles (0.0037%); highest among the groups gnomAD compares: South Asian, 0.054%; 1 homozygote.

Submissions (2):

GeneDx
Classification: Uncertain significance. Last evaluated: 2024-07-11. Review status: criteria provided, single submitter. Criteria: GeneDx Variant Classification Process June 2021. Collection method: clinical testing. Allele origin: germline. Affected: yes.
Comment: Has not been previously published as pathogenic or benign to our knowledge; In silico analysis is inconclusive as to whether the variant alters gene splicing. In the absence of RNA/functional studies, the actual effect of this sequence change is unknown.

PreventionGenetics, part of Exact Sciences
Classification: Likely benign for PKHD1-related condition. Last evaluated: 2022-09-03. Review status: no assertion criteria provided. Collection method: clinical testing. Allele origin: germline. Not counted in ClinVar's aggregate classification.
Comment: This variant is classified as likely benign based on ACMG/AMP sequence variant interpretation guidelines (Richards et al. 2015 PMID: 25741868, with internal and published modifications).